The following is an entry in ClinVar:

NM_024757.5(EHMT1):c.3370C>T (p.Leu1124Phe)

Gene: EHMT1 (euchromatic histone lysine methyltransferase 1; plus strand). Cytogenetic location: 9q34.3.
Variant type: single nucleotide variant.
Coding change: c.3370C>T on transcript NM_024757.5 (MANE Select); coding-DNA position 3370, C replaced by T.
Protein change: p.Leu1124Phe; replaces leucine 1124 with phenylalanine.
Molecular consequence: missense variant.
Genome position (GRCh38, 1-based): chr9:137,816,058, C>T. VCF-style: chr9-137816058-C-T. GRCh37 (hg19) VCF-style: chr9-140710510-C-T.
Other names: c.3349C>T, p.Leu1117Phe (NM_001354263.2); short protein forms L1117F, L1124F.
Identifiers: ClinVar variation 4742079 (VCV004742079.1).
Genomic context (GRCh38, chr9:137,816,058, plus strand): 5'-GAATGCAACCACGCGTGCTCCTGCTGGAGGAACTGCCGAAATCGCGTCGTACAGAATGGT[C>T]TCAGGTGAGAGGCAGCTTCCTGCCGGAGCCCCACATTCTGCTCGTATTAGCACGTATTAG-3'
Protein context (NP_079033.4, residues 1114-1134): NCRNRVVQNG[Leu1124Phe]RARLQLYRTR

ClinVar aggregate classification (germline): Uncertain significance (1 of 4 stars; one submission).

Conditions:
Kleefstra syndrome 1 (KLEFS1). Identifiers: Orphanet 261494, MedGen C0795833, MONDO:0027407, OMIM 610253.

gnomAD v4.1: 1 of 1,610,882 alleles (0.000062%); highest among the groups gnomAD compares: Non-Finnish European, 0.000085%; no homozygotes.

Submission:

Labcorp Genetics (formerly Invitae), Labcorp
Classification: Uncertain significance for Kleefstra syndrome 1. Last evaluated: 2025-06-12. Review status: criteria provided, single submitter. Criteria: Invitae Variant Classification Sherloc (09022015). Collection method: clinical testing. Allele origin: germline.
Comment: This sequence change replaces leucine, which is neutral and non-polar, with phenylalanine, which is neutral and non-polar, at codon 1124 of the EHMT1 protein (p.Leu1124Phe). This variant is not present in population databases (gnomAD no frequency). This variant has not been reported in the literature in individuals affected with EHMT1-related conditions. Invitae Evidence Modeling of protein sequence and biophysical properties (such as structural, functional, and spatial information, amino acid conservation, physicochemical variation, residue mobility, and thermodynamic stability) indicates that this missense variant is not expected to disrupt EHMT1 protein function with a negative predictive value of 80%. In summary, the available evidence is currently insufficient to determine the role of this variant in disease. Therefore, it has been classified as a Variant of Uncertain Significance.